The following is an entry in ClinVar:

NM_030665.4(RAI1):c.2884C>T (p.Pro962Ser)

Gene: RAI1 (retinoic acid induced 1; plus strand). Cytogenetic location: 17p11.2.
Variant type: single nucleotide variant.
Coding change: c.2884C>T on transcript NM_030665.4 (MANE Select); coding-DNA position 2884, C replaced by T.
Protein change: p.Pro962Ser; replaces proline 962 with serine.
Molecular consequence: missense variant.
Genome position (GRCh38, 1-based): chr17:17,795,832, C>T. VCF-style: chr17-17795832-C-T. GRCh37 (hg19) VCF-style: chr17-17699146-C-T.
Other names: short protein forms P962S.
Identifiers: ClinVar variation 4771123 (VCV004771123.1).

ClinVar aggregate classification (germline): Uncertain significance (1 of 4 stars; one submission).

Submission:

Labcorp Genetics (formerly Invitae), Labcorp
Classification: Uncertain significance. Last evaluated: 2025-06-17. Review status: criteria provided, single submitter. Criteria: Invitae Variant Classification Sherloc (09022015). Collection method: clinical testing. Allele origin: germline.
Comment: This sequence change replaces proline, which is neutral and non-polar, with serine, which is neutral and polar, at codon 962 of the RAI1 protein (p.Pro962Ser). This variant is present in population databases (no rsID available, gnomAD 0.0009%). This variant has not been reported in the literature in individuals affected with RAI1-related conditions. Invitae Evidence Modeling of protein sequence and biophysical properties (such as structural, functional, and spatial information, amino acid conservation, physicochemical variation, residue mobility, and thermodynamic stability) indicates that this missense variant is not expected to disrupt RAI1 protein function with a negative predictive value of 80%. In summary, the available evidence is currently insufficient to determine the role of this variant in disease. Therefore, it has been classified as a Variant of Uncertain Significance.